The following is an entry in ClinVar:

ClinVar aggregate classification (germline): Uncertain significance. Review status: criteria provided, multiple submitters, no conflicts (2 of 4 stars). 5 submissions from 5 submitters: Uncertain significance (4). 1 of the submissions does not count toward it. Last evaluated 2025-02-07.

Conditions:
Bardet-Biedl syndrome (BBS). Identifiers: Orphanet 110, MedGen C0752166, MONDO:0015229.
BBS9-related disorder. Also called: BBS9-related condition.
Bardet-Biedl syndrome 9 (BBS9). Identifiers: Orphanet 110, MedGen C1859567, MONDO:0014437, OMIM 615986.
Inborn genetic diseases. Identifiers: MedGen C0950123, MeSH D030342.

Allele frequency attached by ClinVar (database versions not stated): gnomAD 0.00001; TOPMed 0.00001; ExAC 0.00004.
gnomAD v4.1: 22 of 1,608,248 alleles (0.0014%); highest among the groups gnomAD compares: Admixed American, 0.03%; no homozygotes.

Submissions (5):

Ambry Genetics
Classification: Uncertain significance for Inborn genetic diseases. Last evaluated: 2025-02-07. Review status: criteria provided, single submitter. Criteria: Ambry Variant Classification Scheme 2023. Collection method: clinical testing. Allele origin: germline.

Fulgent Genetics
Classification: Uncertain significance for Bardet-Biedl syndrome 9. Last evaluated: 2024-02-21. Review status: criteria provided, single submitter. Criteria: ACMG Guidelines, 2015. Collection method: clinical testing. Allele origin: germline.

GeneDx
Classification: Uncertain significance. Last evaluated: 2023-12-12. Review status: criteria provided, single submitter. Criteria: GeneDx Variant Classification Process June 2021. Collection method: clinical testing. Allele origin: germline. Affected: yes.
Comment: In silico analysis supports that this missense variant has a deleterious effect on protein structure/function; Has not been previously published as pathogenic or benign to our knowledge

Labcorp Genetics (formerly Invitae), Labcorp
Classification: Uncertain significance for Bardet-Biedl syndrome. Last evaluated: 2022-08-09. Review status: criteria provided, single submitter. Criteria: Invitae Variant Classification Sherloc (09022015). Collection method: clinical testing. Allele origin: germline.
Comment: This sequence change replaces histidine, which is basic and polar, with tyrosine, which is neutral and polar, at codon 117 of the BBS9 protein (p.His117Tyr). This variant is present in population databases (rs780063415, gnomAD 0.04%). This variant has not been reported in the literature in individuals affected with BBS9-related conditions. Algorithms developed to predict the effect of missense changes on protein structure and function are either unavailable or do not agree on the potential impact of this missense change (SIFT: "Deleterious"; PolyPhen-2: "Benign"; Align-GVGD: "Class C65"). In summary, the available evidence is currently insufficient to determine the role of this variant in disease. Therefore, it has been classified as a Variant of Uncertain Significance.

PreventionGenetics, part of Exact Sciences
Classification: Uncertain significance for BBS9-related condition. Last evaluated: 2024-04-05. Review status: no assertion criteria provided. Collection method: clinical testing. Allele origin: germline. Not counted in ClinVar's aggregate classification.
Comment: The BBS9 c.349C>T variant is predicted to result in the amino acid substitution p.His117Tyr. To our knowledge, this variant has not been reported in the literature. This variant is reported in 0.043% of alleles in individuals of Latino descent in gnomAD. At this time, the clinical significance of this variant is uncertain due to the absence of conclusive functional and genetic evidence.

NM_198428.3(BBS9):c.349C>T (p.His117Tyr)

Gene: BBS9 (Bardet-Biedl syndrome 9; plus strand). Cytogenetic location: 7p14.3.
Variant type: single nucleotide variant.
Coding change: c.349C>T on transcript NM_198428.3 (MANE Select); coding-DNA position 349, C replaced by T.
Protein change: p.His117Tyr; replaces histidine 117 with tyrosine.
Molecular consequence: missense variant. On other transcripts: 5 prime UTR variant (4), non-coding transcript variant (3).
Genome position (GRCh38, 1-based): chr7:33,177,498, C>T. VCF-style: chr7-33177498-C-T. GRCh37 (hg19) VCF-style: chr7-33217110-C-T.
Other names: c.349C>T, p.His117Tyr (NM_001348043.3, NM_001362679.1, NM_001412127.2 and 7 more transcripts); c.-18C>T (NM_001348044.3, NM_001348045.3, NM_001348046.3 and 1 more transcripts); c.76C>T, p.His26Tyr (NM_001348038.3, NM_001348039.3); c.214C>T, p.His72Tyr (NM_001348042.3); short protein forms H117Y, H26Y, H72Y.
Identifiers: ClinVar variation 2048608 (VCV002048608.8), dbSNP rs780063415, ClinGen allele CA4213968.